The following is an entry in ClinVar:

NM_002168.4(IDH2):c.742A>C (p.Met248Leu)

Gene: IDH2 (isocitrate dehydrogenase (NADP(+)) 2; minus strand). Cytogenetic location: 15q26.1.
Variant type: single nucleotide variant.
Coding change: c.742A>C on transcript NM_002168.4 (MANE Select); coding-DNA position 742, A replaced by C.
Protein change: p.Met248Leu; replaces methionine 248 with leucine.
Molecular consequence: missense variant.
Genome position (GRCh38, 1-based): chr15:90,087,512, T>G on the plus strand (A>C on the coding strand, the complement: IDH2 is on the minus strand). VCF-style: chr15-90087512-T-G. GRCh37 (hg19) VCF-style: chr15-90630744-T-G.
Other names: c.586A>C, p.Met196Leu (NM_001289910.1); c.352A>C, p.Met118Leu (NM_001290114.2); short protein forms M196L, M248L, M118L.
Identifiers: ClinVar variation 2456838 (VCV002456838.6), dbSNP rs781648958, ClinGen allele CA7733075.

ClinVar aggregate classification (germline): Uncertain significance. Review status: criteria provided, multiple submitters, no conflicts (2 of 4 stars). 2 submissions from 2 submitters: Uncertain significance (2). Last evaluated 2025-08-07.

Conditions:
Inborn genetic diseases. Identifiers: MedGen C0950123, MeSH D030342.
D-2-hydroxyglutaric aciduria 2 (D2HGA2). Identifiers: Orphanet 79315, MedGen C3150909, MONDO:0013345, OMIM 613657.

Allele frequency attached by ClinVar (database versions not stated): gnomAD 0.00001; ExAC 0.00002.
gnomAD v4.1: 4 of 1,614,044 alleles (0.00025%); highest among the groups gnomAD compares: Non-Finnish European, 0.00025%; no homozygotes.

Submissions (2):

Ambry Genetics
Classification: Uncertain significance for Inborn genetic diseases. Last evaluated: 2025-08-07. Review status: criteria provided, single submitter. Criteria: Ambry Variant Classification Scheme 2023. Collection method: clinical testing. Allele origin: germline.

Labcorp Genetics (formerly Invitae), Labcorp
Classification: Uncertain significance for D-2-hydroxyglutaric aciduria 2. Last evaluated: 2023-01-02. Review status: criteria provided, single submitter. Criteria: Invitae Variant Classification Sherloc (09022015). Collection method: clinical testing. Allele origin: germline.
Comment: This variant is present in population databases (rs781648958, gnomAD 0.002%). In summary, the available evidence is currently insufficient to determine the role of this variant in disease. Therefore, it has been classified as a Variant of Uncertain Significance. Algorithms developed to predict the effect of missense changes on protein structure and function output the following: SIFT: "Tolerated"; PolyPhen-2: "Benign"; Align-GVGD: "Class C0". The leucine amino acid residue is found in multiple mammalian species, which suggests that this missense change does not adversely affect protein function. This variant has not been reported in the literature in individuals affected with IDH2-related conditions. This sequence change replaces methionine, which is neutral and non-polar, with leucine, which is neutral and non-polar, at codon 248 of the IDH2 protein (p.Met248Leu).